The following is an entry in ClinVar:

ClinVar aggregate classification (germline): Uncertain significance (1 of 4 stars; one submission).

Conditions:
Baller-Gerold syndrome (BGS). Also called: CRANIOSYNOSTOSIS WITH RADIAL DEFECTS. Identifiers: Orphanet 1225, MedGen C0265308, MONDO:0009039, OMIM 218600.

gnomAD v4.1: 1 of 1,612,874 alleles (0.000062%); highest among the groups gnomAD compares: Non-Finnish European, 0.000085%; no homozygotes.

Submission:

Labcorp Genetics (formerly Invitae), Labcorp
Classification: Uncertain significance for Baller-Gerold syndrome. Last evaluated: 2022-07-17. Review status: criteria provided, single submitter. Criteria: Invitae Variant Classification Sherloc (09022015). Collection method: clinical testing. Allele origin: germline.
Comment: This sequence change replaces proline, which is neutral and non-polar, with histidine, which is basic and polar, at codon 338 of the RECQL4 protein (p.Pro338His). This variant is not present in population databases (gnomAD no frequency). This variant has not been reported in the literature in individuals affected with RECQL4-related conditions. ClinVar contains an entry for this variant (Variation ID: 1055690). Experimental studies and prediction algorithms are not available or were not evaluated, and the functional significance of this variant is currently unknown. In summary, the available evidence is currently insufficient to determine the role of this variant in disease. Therefore, it has been classified as a Variant of Uncertain Significance.

NM_004260.4(RECQL4):c.1013C>A (p.Pro338His)

Gene: RECQL4 (RecQ like helicase 4; minus strand). Cytogenetic location: 8q24.3.
Variant type: single nucleotide variant.
Coding change: c.1013C>A on transcript NM_004260.4 (MANE Select); coding-DNA position 1013, C replaced by A.
Protein change: p.Pro338His; replaces proline 338 with histidine.
Molecular consequence: missense variant.
Genome position (GRCh38, 1-based): chr8:144,516,106, G>T on the plus strand (C>A on the coding strand, the complement: RECQL4 is on the minus strand). VCF-style: chr8-144516106-G-T. GRCh37 (hg19) VCF-style: chr8-145741490-G-T.
Other names: short protein forms P338H.
Identifiers: ClinVar variation 1055690 (VCV001055690.5), dbSNP rs1554902388, ClinGen allele CA372688321.